The following is an entry in ClinVar:

NM_005334.3(HCFC1):c.3681C>G (p.Asp1227Glu)

Gene: HCFC1 (host cell factor C1; minus strand). Cytogenetic location: Xq28.
Variant type: single nucleotide variant.
Coding change: c.3681C>G on transcript NM_005334.3 (MANE Select); coding-DNA position 3681, C replaced by G.
Protein change: p.Asp1227Glu; replaces aspartic acid 1227 with glutamic acid.
Molecular consequence: missense variant.
Genome position (GRCh38, 1-based): chrX:153,954,718, G>C on the plus strand (C>G on the coding strand, the complement: HCFC1 is on the minus strand). VCF-style: chrX-153954718-G-C. GRCh37 (hg19) VCF-style: chrX-153220169-G-C.
Other names: c.3681C>G, p.Asp1227Glu (NM_001410705.1); short protein forms D1227E.
Identifiers: ClinVar variation 2504492 (VCV002504492.4), dbSNP rs1557114040, ClinGen allele CA415119874.

ClinVar aggregate classification (germline): Uncertain significance. Review status: criteria provided, multiple submitters, no conflicts (2 of 4 stars). 3 submissions from 3 submitters: Uncertain significance (3). Last evaluated 2025-11-11.

Conditions:
Inborn genetic diseases. Identifiers: MedGen C0950123, MeSH D030342.
Methylmalonic acidemia with homocystinuria, type cblX (MAHCX). Also called: INTELLECTUAL DEVELOPMENTAL DISORDER, X-LINKED 3. Identifiers: Orphanet 369962, MedGen C0796208, MONDO:0010657, OMIM 309541.

Submissions (3):

Ambry Genetics
Classification: Uncertain significance for Inborn genetic diseases. Last evaluated: 2025-11-11. Review status: criteria provided, single submitter. Criteria: Ambry Variant Classification Scheme 2023. Collection method: clinical testing. Allele origin: germline.

Labcorp Genetics (formerly Invitae), Labcorp
Classification: Uncertain significance for Methylmalonic acidemia with homocystinuria, type cblX. Last evaluated: 2025-10-15. Review status: criteria provided, single submitter. Criteria: Invitae Variant Classification Sherloc (09022015). Collection method: clinical testing. Allele origin: germline.
Comment: This sequence change replaces aspartic acid, which is acidic and polar, with glutamic acid, which is acidic and polar, at codon 1227 of the HCFC1 protein (p.Asp1227Glu). This variant is not present in population databases (gnomAD no frequency). This variant has not been reported in the literature in individuals affected with HCFC1-related conditions. ClinVar contains an entry for this variant (Variation ID: 2504492). An algorithm developed to predict the effect of missense changes on protein structure and function (PolyPhen-2) suggests that this variant is likely to be tolerated. In summary, the available evidence is currently insufficient to determine the role of this variant in disease. Therefore, it has been classified as a Variant of Uncertain Significance.

GeneDx
Classification: Uncertain significance. Last evaluated: 2022-12-01. Review status: criteria provided, single submitter. Criteria: GeneDx Variant Classification Process June 2021. Collection method: clinical testing. Allele origin: germline. Affected: yes.
Comment: Not observed at significant frequency in large population cohorts (gnomAD); In silico analysis supports that this missense variant does not alter protein structure/function; Has not been previously published as pathogenic or benign to our knowledge